The following is an entry in ClinVar:

ClinVar aggregate classification (germline): Likely benign. Review status: criteria provided, multiple submitters, no conflicts (2 of 4 stars). 2 submissions from 2 submitters: Likely benign (2). Last evaluated 2025-05-05.

Conditions:
Inborn genetic diseases. Identifiers: MedGen C0950123, MeSH D030342.

Allele frequency attached by ClinVar (database versions not stated): TOPMed 0.00006; gnomAD 0.00008; ESP Exome Variant Server 0.00009; ExAC 0.00011; gnomAD exomes 0.00012.
gnomAD v4.1: 137 of 1,209,058 alleles (0.011%); highest among the groups gnomAD compares: Middle Eastern, 0.092%; no homozygotes.

Submissions (2):

Ambry Genetics
Classification: Likely benign for Inborn genetic diseases. Last evaluated: 2025-05-05. Review status: criteria provided, single submitter. Criteria: Ambry Variant Classification Scheme 2023. Collection method: clinical testing. Allele origin: germline.

CeGaT Center for Human Genetics Tuebingen
Classification: Likely benign. Last evaluated: 2024-05-01. Review status: criteria provided, single submitter. Criteria: CeGaT Center For Human Genetics Tuebingen Variant Classification Criteria Version 2. Collection method: clinical testing. Allele origin: germline. Affected: yes. Observed: 2 variant alleles.
Comment: ANOS1: BP4

NM_000216.4(ANOS1):c.1382G>A (p.Arg461Gln)

Gene: ANOS1 (anosmin 1; minus strand). Cytogenetic location: Xp22.31.
Variant type: single nucleotide variant.
Coding change: c.1382G>A on transcript NM_000216.4 (MANE Select); coding-DNA position 1382, G replaced by A.
Protein change: p.Arg461Gln; replaces arginine 461 with glutamine.
Molecular consequence: missense variant.
Genome position (GRCh38, 1-based): chrX:8,539,731, C>T on the plus strand (G>A on the coding strand, the complement: ANOS1 is on the minus strand). VCF-style: chrX-8539731-C-T. GRCh37 (hg19) VCF-style: chrX-8507772-C-T.
Other names: c.1382G>A (NM_000216.2); short protein forms R461Q.
Identifiers: ClinVar variation 2659945 (VCV002659945.24), dbSNP rs372915443, ClinGen allele CA10343625.